The following is an entry in ClinVar:

NM_032043.3(BRIP1):c.2244C>G (p.Tyr748Ter)

Gene: BRIP1 (BRCA1 interacting DNA helicase 1; minus strand). Cytogenetic location: 17q23.2.
Variant type: single nucleotide variant.
Coding change: c.2244C>G on transcript NM_032043.3 (MANE Select); coding-DNA position 2244, C replaced by G.
Protein change: p.Tyr748Ter; replaces tyrosine 748 with a stop codon.
Molecular consequence: nonsense.
Genome position (GRCh38, 1-based): chr17:61,744,445, G>C on the plus strand (C>G on the coding strand, the complement: BRIP1 is on the minus strand). VCF-style: chr17-61744445-G-C. GRCh37 (hg19) VCF-style: chr17-59821806-G-C.
Other names: short protein forms Y748*.
Identifiers: ClinVar variation 430591 (VCV000430591.34), dbSNP rs1257401983, ClinGen allele CA400482848.

ClinVar aggregate classification (germline): Pathogenic/Likely pathogenic. Review status: criteria provided, multiple submitters, no conflicts (2 of 4 stars). 14 submissions from 14 submitters: Pathogenic (11); Likely pathogenic (2). 1 of the submissions does not count toward it. Last evaluated 2026-08-06.

Conditions:
Inherited ovarian cancer (without breast cancer).
Familial cancer of breast. Also called: Hereditary breast cancer; BREAST CANCER, FAMILIAL; hereditary breast carcinoma. Identifiers: Orphanet 227535, MedGen C0346153, MONDO:0016419, OMIM 114480. Disease mechanism: loss of function.
Fanconi anemia complementation group J. Also called: BRIP1-Related Fanconi Anemia. Identifiers: Orphanet 84, MedGen C1836860, MONDO:0012187, OMIM 609054.
Breast neoplasm. Also called: Neoplasm of breast; Breast tumor; Breast Neoplasms; Neoplasm of the breast. Identifiers: MedGen C1458155, MeSH D001943, MONDO:0021100, HP:0100013. Disease mechanism: gain of function.
Hereditary breast ovarian cancer syndrome. Also called: Hereditary breast and ovarian cancer syndrome; Breast and ovarian cancer; BRCA1- and BRCA2-Associated Hereditary Breast and Ovarian Cancer; Hereditary breast and ovarian cancer syndrome (HBOC); Hereditary breast and/or ovarian cancer syndrome; Hereditary breast and ovarian cancer. Identifiers: Orphanet 145, MedGen C0677776, MeSH D061325, MONDO:0003582. Disease mechanism: loss of function.
Breast carcinoma. Also called: Carcinoma of breast. Identifiers: MedGen C0678222, MONDO:0004989, HP:0003002.
Breast and/or ovarian cancer. Identifiers: MedGen CN221562.
Hereditary cancer-predisposing syndrome. Also called: Hereditary neoplastic syndrome; Neoplastic Syndromes, Hereditary; Hereditary Cancer Syndrome; Tumor predisposition. Identifiers: Orphanet 140162, MedGen C0027672, MeSH D009386, MONDO:0015356.

Allele frequency attached by ClinVar (database versions not stated): TOPMed below 0.00001.

Submissions (14):

OLLIN Analises Genomicas, OLLIN
Classification: Pathogenic for Familial cancer of breast. Last evaluated: 2026-08-06. Review status: criteria provided, single submitter. Criteria: ACMG Guidelines 2015 PMID 25741868. Collection method: clinical testing. Allele origin: germline.
Comment: This nonsense variant, located in exon 15 (of 20), is absent from gnomAD but has been reported in ClinVar (accession VCV000430591.32) and in the scientific literature in individuals with BRIP1 related disorders (PMID: 29566657, 28961279, 31742824). This variant introduces a premature stop codon, which is predicted to result in either a truncated protein or degradation of the mRNA via nonsense-mediated decay (NMD). According to the currently available evidence, this variant has been classified as pathogenic (PVS1, PS4, PM2_P).

Labcorp Genetics (formerly Invitae), Labcorp
Classification: Pathogenic for Familial cancer of breast; Fanconi anemia complementation group J. Last evaluated: 2025-12-21. Review status: criteria provided, single submitter. Criteria: Invitae Variant Classification Sherloc (09022015). Collection method: clinical testing. Allele origin: germline.
Comment: This sequence change creates a premature translational stop signal (p.Tyr748*) in the BRIP1 gene. It is expected to result in an absent or disrupted protein product. Loss-of-function variants in BRIP1 are known to be pathogenic (PMID: 16116423, 17033622, 21964575). This variant is not present in population databases (gnomAD no frequency). This premature translational stop signal has been observed in individual(s) with primary peritoneal serous carcinoma (PMID: 28961279). ClinVar contains an entry for this variant (Variation ID: 430591). For these reasons, this variant has been classified as Pathogenic.

Ambry Genetics
Classification: Pathogenic for Hereditary cancer-predisposing syndrome. Last evaluated: 2025-09-02. Review status: criteria provided, single submitter. Criteria: Ambry Variant Classification Scheme 2023. Collection method: clinical testing. Allele origin: germline.
Comment: The p.Y748* pathogenic mutation (also known as c.2244C>G), located in coding exon 14 of the BRIP1 gene, results from a C to G substitution at nucleotide position 2244. This changes the amino acid from a tyrosine to a stop codon within coding exon 14. This alteration has been previously reported in an individual with primary peritoneal serous carcinoma (Sung PL et al. PLoS ONE, 2017 Sep;12:e0185615). This variant is considered to be rare based on population cohorts in the Genome Aggregation Database (gnomAD). In addition to the clinical data presented in the literature, this alteration is expected to result in loss of function by premature protein truncation or nonsense-mediated mRNA decay. As such, this alteration is interpreted as a disease-causing mutation.

Center for Genomic Medicine, Rigshospitalet, Copenhagen University Hospital
Classification: Pathogenic. Last evaluated: 2025-03-04. Review status: criteria provided, single submitter. Criteria: ACMG Guidelines, 2015. Collection method: clinical testing. Allele origin: germline.

Cambridge Genomics Laboratory, East Genomic Laboratory Hub, NHS Genomic Medicine Service
Classification: Pathogenic for Inherited ovarian cancer (without breast cancer). Last evaluated: 2025-02-11. Review status: criteria provided, single submitter. Criteria: ACGS Best Practice Guidelines for Variant Classification in Rare Disease 2020. Collection method: clinical testing. Allele origin: germline. Affected: yes.
Comment: PVS1,PM2

Women's Health and Genetics/Laboratory Corporation of America, LabCorp
Classification: Pathogenic for Hereditary breast ovarian cancer syndrome. Last evaluated: 2024-04-10. Review status: criteria provided, single submitter. Criteria: LabCorp Variant Classification Summary - May 2015. Collection method: clinical testing. Allele origin: germline.
Comment: Variant summary: BRIP1 c.2244C>G (p.Tyr748X) results in a premature termination codon, predicted to cause a truncation of the encoded protein or absence of the protein due to nonsense mediated decay, which are commonly known mechanisms for disease. The variant was absent in 251216 control chromosomes. c.2244C>G has been reported in the literature in settings of multi-gene panel testing in at least one individual affected with primary peritoneal serous carcinoma (e.g. Sung_2017). To our knowledge, no experimental evidence demonstrating an impact on protein function has been reported. The following publication has been ascertained in the context of this evaluation (PMID: 28961279). ClinVar contains an entry for this variant (Variation ID: 430591). Based on the evidence outlined above, the variant was classified as pathogenic.

Baylor Genetics
Classification: Likely pathogenic for Familial cancer of breast. Last evaluated: 2023-11-08. Review status: criteria provided, single submitter. Criteria: ACMG Guidelines, 2015. Collection method: clinical testing. Allele origin: unknown.

Myriad Genetics, Inc.
Classification: Pathogenic for Familial cancer of breast. Last evaluated: 2023-06-06. Review status: criteria provided, single submitter. Criteria: Myriad Autosomal Dominant, Autosomal Recessive and X-Linked Classification Criteria (2023). Collection method: clinical testing. Allele origin: unknown.
Comment: This variant is considered pathogenic. This variant creates a termination codon and is predicted to result in premature protein truncation.

CHEO Genetics Diagnostic Laboratory, Children's Hospital of Eastern Ontario
Classification: Likely pathogenic for Breast and/or ovarian cancer. Last evaluated: 2023-04-06. Review status: criteria provided, single submitter. Criteria: ACMG Guidelines, 2015. Collection method: clinical testing. Allele origin: germline.

Color Diagnostics, LLC DBA Color Health
Classification: Pathogenic for Hereditary cancer-predisposing syndrome. Last evaluated: 2022-11-21. Review status: criteria provided, single submitter. Criteria: ACMG Guidelines, 2015. Collection method: clinical testing. Allele origin: germline.
Comment: This variant changes 1 nucleotide in exon 15 of the BRIP1 gene, creating a premature translation stop signal. This variant is expected to result in an absent or non-functional protein product. This variant has been reported in individuals affected with breast, ovarian, and peritoneal cancer in the literature (PMID: 28961279, 29566657, 31742824). This variant has not been identified in the general population by the Genome Aggregation Database (gnomAD). Loss of BRIP1 function is a known mechanism of disease. Based on the available evidence, this variant is classified as Pathogenic.

GeneDx
Classification: Pathogenic. Last evaluated: 2021-10-20. Review status: criteria provided, single submitter. Criteria: GeneDx Variant Classification Process June 2021. Collection method: clinical testing. Allele origin: germline. Affected: yes.
Comment: Nonsense variant predicted to result in protein truncation or nonsense mediated decay in a gene for which loss-of-function is a known mechanism of disease; Not observed at significant frequency in large population cohorts (Lek 2016); This variant is associated with the following publications: (PMID: 29566657, 28961279, 31742824)

Juno Genomics, Hangzhou Juno Genomics, Inc
Classification: Pathogenic for Familial cancer of breast. Review status: criteria provided, single submitter. Criteria: ACMG Guidelines, 2015. Collection method: clinical testing. Allele origin: germline.
Comment: Absent from controls (or at extremely low frequency if recessive) in Genome Aggregation Database.;Null variant in a gene where loss of function (LOF) is a known mechanism of disease.;The prevalence of the variant in affected individuals is significantly increased compared to the prevalence in controls.

Yang An-Suei Laboratory, Academia Sinica
Classification: Pathogenic for breast cancer. Review status: criteria provided, single submitter. Criteria: Submitter's publication. Collection method: clinical testing. Allele origin: germline. Affected: yes.

Medical Genetics Laboratory, Umraniye Training and Research Hospital, University of Health Sciences
Classification: Pathogenic for Breast carcinoma. Last evaluated: 2021-08-10. Review status: no assertion criteria provided. Collection method: clinical testing. Allele origin: germline. Inheritance: Autosomal dominant inheritance. Affected: yes. Observed: 1 variant allele, 1 heterozygote. Not counted in ClinVar's aggregate classification.

Literature cited by the submitters: PubMed 29566657 (cited by 3 submitters); PubMed 28961279 (cited by 6 submitters); PubMed 31742824 (cited by OLLIN Analises Genomicas, OLLIN and Color Diagnostics, LLC DBA Color Health); PubMed 16116423 (cited by Labcorp Genetics (formerly Invitae), Labcorp); PubMed 17033622 (cited by Labcorp Genetics (formerly Invitae), Labcorp); PubMed 21964575 (cited by Labcorp Genetics (formerly Invitae), Labcorp).